The following is an entry in ClinVar:

NM_003072.5(SMARCA4):c.4008C>T (p.Arg1336=)

Gene: SMARCA4 (SWI/SNF related BAF chromatin remodeling complex subunit ATPase 4; plus strand). Cytogenetic location: 19p13.2.
Variant type: single nucleotide variant.
Coding change: c.4008C>T on transcript NM_003072.5 (MANE Select); coding-DNA position 4008, C replaced by T.
Protein change: p.Arg1336=; no amino-acid change (arginine 1336 retained).
Molecular consequence: synonymous variant. On other transcripts: non-coding transcript variant (1).
Genome position (GRCh38, 1-based): chr19:11,034,970, C>T. VCF-style: chr19-11034970-C-T. GRCh37 (hg19) VCF-style: chr19-11145646-C-T.
Other names: c.4008C>T, p.Arg1336= (NM_001128844.3, NM_001128849.3, NM_001387283.1); c.3909C>T, p.Arg1303= (NM_001128845.2, NM_001128846.2, NM_001128847.4 and 3 more transcripts).
Identifiers: ClinVar variation 5042103 (VCV005042103.1).
Genomic context (GRCh38, chr19:11,034,970, plus strand): 5'-CCAGCGCATGGACCTGGACCGCAGGCGCGAGGAGGCCCGCAACCCCAAGCGGAAGCCGCG[C>T]CTCATGGAGGAGGACGAGCTCCCCTCGTGGATCATCAAGGACGACGCGGAGGTGGAGCGG-3'
Protein context (NP_003063.2, residues 1326-1346): EEARNPKRKP[Arg1336=]LMEEDELPSW

ClinVar aggregate classification (germline): Benign (1 of 4 stars; one submission).

Conditions:
Rhabdoid tumor predisposition syndrome 2 (RTPS2). Identifiers: Orphanet 231108, Orphanet 69077, MedGen C2750074, MONDO:0013224, OMIM 613325.

gnomAD v4.1: 1 of 1,603,700 alleles (0.000062%); highest among the groups gnomAD compares: Non-Finnish European, 0.000085%; no homozygotes.

Submission:

Myriad Genetics, Inc.
Classification: Benign for Rhabdoid tumor predisposition syndrome 2. Last evaluated: 2026-07-17. Review status: criteria provided, single submitter. Criteria: Myriad Autosomal Dominant, Autosomal Recessive and X-Linked Classification Criteria (2023). Collection method: clinical testing. Allele origin: unknown.
Comment: This variant is considered benign. This variant is a silent/synonymous amino acid change and it is not expected to impact splicing.